The following is an entry in ClinVar:

NM_001190274.2(FBXO11):c.1774G>A (p.Gly592Ser)

Gene: FBXO11 (F-box protein 11; minus strand). Cytogenetic location: 2p16.3.
Variant type: single nucleotide variant.
Coding change: c.1774G>A on transcript NM_001190274.2 (MANE Select); coding-DNA position 1774, G replaced by A.
Protein change: p.Gly592Ser; replaces glycine 592 with serine.
Molecular consequence: missense variant.
Genome position (GRCh38, 1-based): chr2:47,820,385, C>T on the plus strand (G>A on the coding strand, the complement: FBXO11 is on the minus strand). VCF-style: chr2-47820385-C-T. GRCh37 (hg19) VCF-style: chr2-48047524-C-T.
Other names: c.1522G>A, p.Gly508Ser (NM_001374325.1, NM_025133.4); short protein forms G508S, G592S.
Identifiers: ClinVar variation 4023713 (VCV004023713.2).

ClinVar aggregate classification (germline): Uncertain significance (1 of 4 stars; one submission).

Conditions:
Inborn genetic diseases. Identifiers: MedGen C0950123, MeSH D030342.

Submission:

Ambry Genetics
Classification: Uncertain significance for Inborn genetic diseases. Last evaluated: 2025-08-11. Review status: criteria provided, single submitter. Criteria: Ambry Variant Classification Scheme 2023. Collection method: clinical testing. Allele origin: germline.
Comment: The c.1774G>A (p.G592S) alteration is located in exon 14 (coding exon 14) of the FBXO11 gene. This alteration results from a G to A substitution at nucleotide position 1774, causing the glycine (G) at amino acid position 592 to be replaced by a serine (S). This variant was not reported in population-based cohorts in the Genome Aggregation Database (gnomAD). This amino acid position is highly conserved in available vertebrate species. This missense alteration is located in a region that has a low rate of benign missense variation (Lek, 2016; Firth, 2009). This alteration is predicted to be deleterious by in silico analysis. Based on insufficient or conflicting evidence, the clinical significance of this alteration remains unclear.